The following is an entry in ClinVar:

ClinVar aggregate classification (germline): Likely benign. Review status: criteria provided, multiple submitters, no conflicts (2 of 4 stars). 2 submissions from 2 submitters: Likely benign (2). Last evaluated 2025-08-04.

Conditions:
CDH23-related disorder. Also called: CDH23-related condition; CDH23-related disorders.

Allele frequency attached by ClinVar (database versions not stated): ExAC 0.00002; gnomAD exomes 0.00001.
gnomAD v4.1: 11 of 1,612,716 alleles (0.00068%); highest among the groups gnomAD compares: South Asian, 0.0077%; no homozygotes.

Submissions (2):

PreventionGenetics, part of Exact Sciences
Classification: Likely benign for CDH23-related condition. Last evaluated: 2025-08-04. Review status: criteria provided, single submitter. Criteria: ACMG Guidelines, 2015. Collection method: clinical testing. Allele origin: germline.
Comment: This variant is classified as likely benign based on ACMG/AMP sequence variant interpretation guidelines (Richards et al. 2015 PMID: 25741868, with internal and published modifications).

Labcorp Genetics (formerly Invitae), Labcorp
Classification: Likely benign. Last evaluated: 2024-04-18. Review status: criteria provided, single submitter. Criteria: Invitae Variant Classification Sherloc (09022015). Collection method: clinical testing. Allele origin: germline.

NM_022124.6(CDH23):c.4020C>T (p.Ile1340=)

Genes: C10orf105 (chromosome 10 open reading frame 105; minus strand), CDH23 (cadherin related 23; plus strand). Cytogenetic location: 10q22.1.
Variant type: single nucleotide variant.
Coding change: c.4020C>T on transcript NM_022124.6 (MANE Select); coding-DNA position 4020, C replaced by T.
Protein change: p.Ile1340=; no amino-acid change (isoleucine 1340 retained).
Molecular consequence: synonymous variant. On other transcripts: intron variant (1).
Genome position (GRCh38, 1-based): chr10:71,732,291, C>T. VCF-style: chr10-71732291-C-T. GRCh37 (hg19) VCF-style: chr10-73492048-C-T.
Other names: c.4020C>T, p.Ile1340= (NM_001171930.2); c.-6+5437G>A (NM_001168390.2).
Identifiers: ClinVar variation 1158532 (VCV001158532.10), dbSNP rs754263998, ClinGen allele CA5544891.